The following is an entry in ClinVar:

NC_012920.1(MT-CYB):m.15692A>G

Gene: MT-CYB (mitochondrially encoded cytochrome b; plus strand).
Variant type: single nucleotide variant.
Genome position: chrM-15692-A-G.
Identifiers: ClinVar variation 693934 (VCV000693934.1), dbSNP rs1603225425, ClinGen allele CA913174575.
Genomic context (GRCh38, chrMT:15,692, plus strand): 5'-CTATCCATCCTCATCCTAGCAATAATCCCCATCCTCCATATATCCAAACAACAAAGCATA[A>G]TATTTCGCCCACTAAGCCAATCACTTTATTGACTCCTAGCCGCAGACCTCCTCATTCTAA-3'

ClinVar aggregate classification (germline): Benign (1 of 4 stars; one submission).

Conditions:
Leigh syndrome (NULS). Also called: Leigh's necrotizing encephalopathy; Leigh's disease; Leigh's syndrome; LEIGH SYNDROME, NUCLEAR; Leigh Syndrome (mtDNA deletion); Leigh Disease. Identifiers: Orphanet 506, MedGen C2931891, MONDO:0009723, OMIM 256000.

Submission:

Wong Mito Lab, Molecular and Human Genetics, Baylor College of Medicine
Classification: Benign for Leigh syndrome. Last evaluated: 2019-10-17. Review status: criteria provided, single submitter. Criteria: Modified ACMG Guidelines (Unpublished). Collection method: clinical testing. Allele origin: germline.
Comment: The NC_012920.1:m.15692A>G (YP_003024038.1:p.Met316Val) variant in MTCYB gene is interpretated to be a Benign variant based on the modified ACMG guidelines (unpublished). This variant meets the following evidence codes: BS1, BS2, BP4